The following is an entry in ClinVar:

ClinVar aggregate classification (germline): Uncertain significance (1 of 4 stars; one submission).

Conditions:
Hereditary spastic paraplegia 11. Also called: Spastic Paraplegia 11; Spastic paraplegia, mental retardation and thin corpus callosum; Nakamura Osame syndrome; Autosomal recessive hereditary spastic paraplegia, mental impairment, and thin corpus callosum; SPASTIC PARAPLEGIA, AUTOSOMAL RECESSIVE, COMPLICATED, WITH THIN CORPUS CALLOSUM; SPASTIC PARAPLEGIA, AUTOSOMAL RECESSIVE, WITH MENTAL IMPAIRMENT AND THIN CORPUS CALLOSUM. Identifiers: Orphanet 2822, MedGen C1858479, MONDO:0011445, OMIM 604360.

Submission:

Labcorp Genetics (formerly Invitae), Labcorp
Classification: Uncertain significance for Hereditary spastic paraplegia 11. Last evaluated: 2022-03-02. Review status: criteria provided, single submitter. Criteria: Invitae Variant Classification Sherloc (09022015). Collection method: clinical testing. Allele origin: germline.
Comment: In summary, the available evidence is currently insufficient to determine the role of this variant in disease. Therefore, it has been classified as a Variant of Uncertain Significance. Algorithms developed to predict the effect of missense changes on protein structure and function (SIFT, PolyPhen-2, Align-GVGD) all suggest that this variant is likely to be tolerated. This variant has not been reported in the literature in individuals affected with SPG11-related conditions. This variant is not present in population databases (gnomAD no frequency). This sequence change replaces serine, which is neutral and polar, with threonine, which is neutral and polar, at codon 1919 of the SPG11 protein (p.Ser1919Thr).

NM_025137.4(SPG11):c.5755T>A (p.Ser1919Thr)

Gene: SPG11 (SPG11 vesicle trafficking associated, spatacsin; minus strand). Cytogenetic location: 15q21.1.
Variant type: single nucleotide variant.
Coding change: c.5755T>A on transcript NM_025137.4 (MANE Select); coding-DNA position 5755, T replaced by A.
Protein change: p.Ser1919Thr; replaces serine 1919 with threonine.
Molecular consequence: missense variant.
Genome position (GRCh38, 1-based): chr15:44,583,925, A>T on the plus strand (T>A on the coding strand, the complement: SPG11 is on the minus strand). VCF-style: chr15-44583925-A-T. GRCh37 (hg19) VCF-style: chr15-44876123-A-T.
Other names: c.5755T>A, p.Ser1919Thr (NM_001160227.2); c.5611T>A, p.Ser1871Thr (NM_001411132.1); short protein forms S1871T, S1919T.
Identifiers: ClinVar variation 2104142 (VCV002104142.4), dbSNP rs2505289785, ClinGen allele CA392221426.